The following is an entry in ClinVar:

ClinVar aggregate classification (germline): Benign. Review status: criteria provided, multiple submitters, no conflicts (2 of 4 stars). 2 submissions from 2 submitters: Benign (2). Last evaluated 2018-06-19.

Allele frequency attached by ClinVar (database versions not stated): 1000 Genomes Project 30x 0.22923; 1000 Genomes Project 0.23083; TOPMed 0.28149; gnomAD 0.29657; ESP Exome Variant Server 0.30543; gnomAD exomes 0.34329; ExAC 0.34368.
gnomAD v4.1: 602,364 of 1,560,830 alleles (39%); highest among the groups gnomAD compares: Non-Finnish European, 42%; 122,974 homozygotes.

Submissions (2):

GeneDx
Classification: Benign. Last evaluated: 2018-06-19. Review status: criteria provided, single submitter. Criteria: GeneDx Variant Classification (06012015). Collection method: clinical testing. Allele origin: germline. Affected: yes.
Comment: This variant is considered likely benign or benign based on one or more of the following criteria: it is a conservative change, it occurs at a poorly conserved position in the protein, it is predicted to be benign by multiple in silico algorithms, and/or has population frequency not consistent with disease.

Breakthrough Genomics
Classification: Benign. Review status: criteria provided, single submitter. Criteria: ACMG Guidelines, 2015. Collection method: not provided. Allele origin: germline. Inheritance: Autosomal recessive inheritance. Affected: yes.

NM_201384.3(PLEC):c.3841-51A>T

Gene: PLEC (plectin; minus strand). Cytogenetic location: 8q24.3.
Variant type: single nucleotide variant.
Coding change: c.3841-51A>T on transcript NM_201384.3 (MANE Select); 51 bases into the intron before coding-DNA position 3841, A replaced by T.
Molecular consequence: intron variant.
Genome position (GRCh38, 1-based): chr8:143,927,132, T>A on the plus strand (A>T on the coding strand, the complement: PLEC is on the minus strand). VCF-style: chr8-143927132-T-A. GRCh37 (hg19) VCF-style: chr8-145001300-T-A.
Other names: c.3922-51A>T (NM_000445.5); c.3799-51A>T (NM_201378.4); c.3775-51A>T (NM_201379.3); c.4252-51A>T (NM_201380.4); c.3745-51A>T (NM_201381.3); c.3841-51A>T (NM_201382.4); c.3853-51A>T (NM_201383.3).
Identifiers: ClinVar variation 667887 (VCV000667887.2), dbSNP rs55984967, ClinGen allele CA4926889.
Genomic context (GRCh38, chr8:143,927,132, plus strand): 5'-GTTCATAGTCCTGTGGCAATGCACTGCGGTCAGCCACCAGCTCTGCCCTCCGATGGCCCC[T>A]GCCCAGCCCCTAAACCCTCACATGGGCTTTCCCTGGCATGGCCCAGGCTCAGGGAAAGCC-3'